The following is an entry in ClinVar:

NM_001040108.2(MLH3):c.4123C>T (p.Gln1375Ter)

Gene: MLH3 (mutL homolog 3; minus strand). Cytogenetic location: 14q24.3.
Variant type: single nucleotide variant.
Coding change: c.4123C>T on transcript NM_001040108.2 (MANE Select); coding-DNA position 4123, C replaced by T.
Protein change: p.Gln1375Ter; replaces glutamine 1375 with a stop codon.
Molecular consequence: nonsense.
Genome position (GRCh38, 1-based): chr14:75,018,948, G>A on the plus strand (C>T on the coding strand, the complement: MLH3 is on the minus strand). VCF-style: chr14-75018948-G-A. GRCh37 (hg19) VCF-style: chr14-75485651-G-A.
Other names: c.4051C>T, p.Gln1351Ter (NM_014381.3); short protein forms Q1351*, Q1375*.
Identifiers: ClinVar variation 4856721 (VCV004856721.1).
Genomic context (GRCh38, chr14:75,018,948, plus strand): 5'-GAGCACACTGGAATGGCAGCTGGCATGAGGACAGAGCTTCAATAAGGCGGCAACTTTCCT[G>A]TAAGCTCAGGCCATCATTAAACTTAATGGCCCCTAAATGAAAGACAGAAACAAGAAGGTT-3'

ClinVar aggregate classification (germline): Pathogenic (1 of 4 stars; one submission).

Conditions:
Colorectal cancer, hereditary nonpolyposis, type 7. Identifiers: Orphanet 144, MedGen C1858380, MONDO:0013725, OMIM 614385.

gnomAD v4.1: 1 of 1,614,176 alleles (0.000062%); no homozygotes.

Submission:

Myriad Genetics, Inc.
Classification: Pathogenic for Colorectal cancer, hereditary nonpolyposis, type 7. Last evaluated: 2026-01-21. Review status: criteria provided, single submitter. Criteria: Myriad Autosomal Dominant, Autosomal Recessive and X-Linked Classification Criteria (2023). Collection method: clinical testing. Allele origin: unknown.
Comment: This variant is considered pathogenic. This variant creates a termination codon and is predicted to result in premature protein truncation.